The following is an entry in ClinVar:

ClinVar aggregate classification (germline): Uncertain significance (1 of 4 stars; one submission).

Conditions:
Heterotopia, periventricular, X-linked dominant (PVNH1). Also called: PERIVENTRICULAR NODULAR HETEROTOPIA 1; X-linked periventricular heterotopia; PERIVENTRICULAR NODULAR HETEROTOPIA 4; HETEROTOPIA, PERIVENTRICULAR, 1. Identifiers: Orphanet 2149, Orphanet 82004, MedGen C1848213, MONDO:0010233, OMIM 300049.
Melnick-Needles syndrome (MNS). Also called: MELNICK-NEEDLES OSTEODYSPLASTY; OSTEODYSPLASTY OF MELNICK AND NEEDLES; Melnick-Needles Syndrome (FLNA-MNS). Identifiers: Orphanet 2484, MedGen C0025237, MONDO:0010650, OMIM 309350.
Frontometaphyseal dysplasia (FMD1). Identifiers: Orphanet 1826, MedGen C0265293, MONDO:0015942.
Oto-palato-digital syndrome, type II (OPD2). Also called: OPD II SYNDROME; FACIOPALATOOSSEOUS SYNDROME; Otopalatodigital Syndrome Type 2 (FLNA-OPD2); Otopalatodigital Syndrome, Type II. Identifiers: Orphanet 669, Orphanet 90652, MedGen C1844696, MONDO:0010571, OMIM 304120.

Submission:

Labcorp Genetics (formerly Invitae), Labcorp
Classification: Uncertain significance for Oto-palato-digital syndrome, type II; Heterotopia, periventricular, X-linked dominant; Frontometaphyseal dysplasia; Melnick-Needles syndrome. Last evaluated: 2020-08-05. Review status: criteria provided, single submitter. Criteria: Invitae Variant Classification Sherloc (09022015). Collection method: clinical testing. Allele origin: germline.
Comment: In summary, the available evidence is currently insufficient to determine the role of this variant in disease. Therefore, it has been classified as a Variant of Uncertain Significance. Advanced modeling of protein sequence and biophysical properties (such as structural, functional, and spatial information, amino acid conservation, physicochemical variation, residue mobility, and thermodynamic stability) performed at Invitae indicates that this missense variant is not expected to disrupt FLNA protein function. This variant has not been reported in the literature in individuals with FLNA-related conditions. This variant is not present in population databases (ExAC no frequency). This sequence change replaces lysine with glutamic acid at codon 1592 of the FLNA protein (p.Lys1592Glu). The lysine residue is highly conserved and there is a small physicochemical difference between lysine and glutamic acid.

NM_001110556.2(FLNA):c.4774A>G (p.Lys1592Glu)

Gene: FLNA (filamin A; minus strand). Cytogenetic location: Xq28.
Variant type: single nucleotide variant.
Coding change: c.4774A>G on transcript NM_001110556.2 (MANE Select); coding-DNA position 4774, A replaced by G.
Protein change: p.Lys1592Glu; replaces lysine 1592 with glutamic acid.
Molecular consequence: missense variant.
Genome position (GRCh38, 1-based): chrX:154,357,605, T>C on the plus strand (A>G on the coding strand, the complement: FLNA is on the minus strand). VCF-style: chrX-154357605-T-C. GRCh37 (hg19) VCF-style: chrX-153585973-T-C.
Other names: c.4774A>G, p.Lys1592Glu (NM_001456.4); short protein forms K1592E.
Identifiers: ClinVar variation 1051532 (VCV001051532.9), dbSNP rs1311666006, ClinGen allele CA415214366.
Genomic context (GRCh38, chrX:154,357,605, plus strand): 5'-CGTCTGGCACGTAGGCCACTGTATACGTGCCGTCATGGTTGTCTTGGATGTGTGTCTTCT[T>C]CGGCTTGCCTTCGGGATCCTGTGTGGCAGAGGCAGGGGAGGCAGTTGGCCCAAGCCCGAG-3'
Protein context (NP_001104026.1, residues 1582-1602): VQITDPEGKP[Lys1592Glu]KTHIQDNHDG